The following is an entry in ClinVar:

NM_006765.4(TUSC3):c.670T>G (p.Phe224Val)

Gene: TUSC3 (tumor suppressor candidate 3; plus strand). Cytogenetic location: 8p22.
Variant type: single nucleotide variant.
Coding change: c.670T>G on transcript NM_006765.4 (MANE Select); coding-DNA position 670, T replaced by G.
Protein change: p.Phe224Val; replaces phenylalanine 224 with valine.
Molecular consequence: missense variant.
Genome position (GRCh38, 1-based): chr8:15,662,258, T>G. VCF-style: chr8-15662258-T-G. GRCh37 (hg19) VCF-style: chr8-15519767-T-G.
Other names: c.670T>G, p.Phe224Val (NM_001356429.2, NM_178234.2); short protein forms F224V.
Identifiers: ClinVar variation 1022009 (VCV001022009.5), dbSNP rs1807455847, ClinGen allele CA370386197.

ClinVar aggregate classification (germline): Uncertain significance (1 of 4 stars; one submission).

Conditions:
Intellectual developmental disorder, autosomal recessive 7. Also called: Intellectual disability, autosomal recessive 7. Identifiers: Orphanet 88616, MedGen C1970197, MONDO:0012615, OMIM 611093.

Submission:

Labcorp Genetics (formerly Invitae), Labcorp
Classification: Uncertain significance for Intellectual developmental disorder, autosomal recessive 7. Last evaluated: 2020-03-10. Review status: criteria provided, single submitter. Criteria: Invitae Variant Classification Sherloc (09022015). Collection method: clinical testing. Allele origin: germline.
Comment: This sequence change replaces phenylalanine with valine at codon 224 of the TUSC3 protein (p.Phe224Val). The phenylalanine residue is highly conserved and there is a small physicochemical difference between phenylalanine and valine. This variant is not present in population databases (ExAC no frequency). This variant has not been reported in the literature in individuals with TUSC3-related conditions. Algorithms developed to predict the effect of missense changes on protein structure and function are either unavailable or do not agree on the potential impact of this missense change (SIFT: "Deleterious"; PolyPhen-2: "Benign"; Align-GVGD: "Class C45"). Algorithms developed to predict the effect of sequence changes on RNA splicing suggest that this variant may create or strengthen a splice site, but this prediction has not been confirmed by published transcriptional studies. In summary, the available evidence is currently insufficient to determine the role of this variant in disease. Therefore, it has been classified as a Variant of Uncertain Significance.